The following is an entry in ClinVar:

NM_002241.5(KCNJ10):c.1033A>G (p.Ser345Gly)

Gene: KCNJ10 (potassium inwardly rectifying channel subfamily J member 10; minus strand). Cytogenetic location: 1q23.2.
Variant type: single nucleotide variant.
Coding change: c.1033A>G on transcript NM_002241.5 (MANE Select); coding-DNA position 1033, A replaced by G.
Protein change: p.Ser345Gly; replaces serine 345 with glycine.
Molecular consequence: missense variant.
Genome position (GRCh38, 1-based): chr1:160,041,500, T>C on the plus strand (A>G on the coding strand, the complement: KCNJ10 is on the minus strand). VCF-style: chr1-160041500-T-C. GRCh37 (hg19) VCF-style: chr1-160011290-T-C.
Other names: short protein forms S345G.
Identifiers: ClinVar variation 1007194 (VCV001007194.11), dbSNP rs752571720, ClinGen allele CA1193173.

ClinVar aggregate classification (germline): Uncertain significance. Review status: criteria provided, multiple submitters, no conflicts (2 of 4 stars). 2 submissions from 2 submitters: Uncertain significance (2). Last evaluated 2025-07-15.

Conditions:
Inborn genetic diseases. Identifiers: MedGen C0950123, MeSH D030342.
EAST syndrome (SESAMES). Also called: SEIZURES, SENSORINEURAL DEAFNESS, ATAXIA, IMPAIRED INTELLECTUAL DEVELOPMENT, AND ELECTROLYTE IMBALANCE. Identifiers: Orphanet 199343, MedGen C2748572, MONDO:0013005, OMIM 612780.

Allele frequency attached by ClinVar (database versions not stated): gnomAD exomes below 0.00001; ExAC 0.00001; gnomAD 0.00001.
gnomAD v4.1: 2 of 1,614,044 alleles (0.00012%); highest among the groups gnomAD compares: African/African-American, 0.0027%; no homozygotes.

Submissions (2):

Labcorp Genetics (formerly Invitae), Labcorp
Classification: Uncertain significance for EAST syndrome. Last evaluated: 2025-07-15. Review status: criteria provided, single submitter. Criteria: Invitae Variant Classification Sherloc (09022015). Collection method: clinical testing. Allele origin: germline.
Comment: This sequence change replaces serine, which is neutral and polar, with glycine, which is neutral and non-polar, at codon 345 of the KCNJ10 protein (p.Ser345Gly). This variant is present in population databases (rs752571720, gnomAD 0.007%). This variant has not been reported in the literature in individuals affected with KCNJ10-related conditions. ClinVar contains an entry for this variant (Variation ID: 1007194). Invitae Evidence Modeling of protein sequence and biophysical properties (such as structural, functional, and spatial information, amino acid conservation, physicochemical variation, residue mobility, and thermodynamic stability) indicates that this missense variant is not expected to disrupt KCNJ10 protein function with a negative predictive value of 95%. In summary, the available evidence is currently insufficient to determine the role of this variant in disease. Therefore, it has been classified as a Variant of Uncertain Significance.

Ambry Genetics
Classification: Uncertain significance for Inborn genetic diseases. Last evaluated: 2018-06-11. Review status: criteria provided, single submitter. Criteria: Ambry Variant Classification Scheme 2023. Collection method: clinical testing. Allele origin: germline.
Comment: The p.S345G variant (also known as c.1033A>G), located in coding exon 1 of the KCNJ10 gene, results from an A to G substitution at nucleotide position 1033. The serine at codon 345 is replaced by glycine, an amino acid with similar properties. This amino acid position is well conserved in available vertebrate species. In addition, this alteration is predicted to be tolerated by in silico analysis. Since supporting evidence is limited at this time, the clinical significance of this alteration remains unclear.